The following is an entry in ClinVar:

ClinVar aggregate classification (germline): Uncertain significance (1 of 4 stars; one submission).

Allele frequency attached by ClinVar (database versions not stated): gnomAD exomes below 0.00001 and 0.00002; ExAC 0.00002; gnomAD 0.00004 and 0.00005; TOPMed 0.00004; 1000 Genomes Project 30x 0.00016; 1000 Genomes Project 0.00020.
gnomAD v4.1: 13 of 1,613,994 alleles (0.00081%); highest among the groups gnomAD compares: African/African-American, 0.013%; no homozygotes.

Submission:

GeneDx
Classification: Uncertain significance. Last evaluated: 2021-05-05. Review status: criteria provided, single submitter. Criteria: GeneDx Variant Classification Process June 2021. Collection method: clinical testing. Allele origin: germline. Affected: yes.
Comment: In silico analysis supports that this missense variant does not alter protein structure/function; Has not been previously published as pathogenic or benign to our knowledge

NM_173630.4(RTTN):c.1357C>T (p.His453Tyr)

Gene: RTTN (rotatin; minus strand). Cytogenetic location: 18q22.2.
Variant type: single nucleotide variant.
Coding change: c.1357C>T on transcript NM_173630.4 (MANE Select); coding-DNA position 1357, C replaced by T.
Protein change: p.His453Tyr; replaces histidine 453 with tyrosine.
Molecular consequence: missense variant. On other transcripts: 5 prime UTR variant (1).
Genome position (GRCh38, 1-based): chr18:70,176,794, G>A on the plus strand (C>T on the coding strand, the complement: RTTN is on the minus strand). VCF-style: chr18-70176794-G-A. GRCh37 (hg19) VCF-style: chr18-67844030-G-A.
Other names: c.-1197C>T (NM_001318520.2); short protein forms H453Y.
Identifiers: ClinVar variation 1320633 (VCV001320633.2), dbSNP rs532836432, ClinGen allele CA8996195.
Genomic context (GRCh38, chr18:70,176,794, plus strand): 5'-AGGCCATTCTGTGGTGCACAAGCATCACCTCTGGCTGCTCCAAACTGATACTACTTTTAT[G>A]GTAGCACATGGTTTCTCCAAGGGCTCCCAACACCAGGAGTAGTTTCTCCTTCTGAAAACA-3'
Protein context (NP_775901.3, residues 443-463): LGALGETMCY[His453Tyr]KSSISLEQPE